The following is an entry in ClinVar:

NM_022765.4(MICAL1):c.3061C>G (p.Leu1021Val)

Gene: MICAL1 (microtubule associated monooxygenase, calponin and LIM domain containing 1; minus strand). Cytogenetic location: 6q21.
Variant type: single nucleotide variant.
Coding change: c.3061C>G on transcript NM_022765.4 (MANE Select); coding-DNA position 3061, C replaced by G.
Protein change: p.Leu1021Val; replaces leucine 1021 with valine.
Molecular consequence: missense variant.
Genome position (GRCh38, 1-based): chr6:109,444,334, G>C on the plus strand (C>G on the coding strand, the complement: MICAL1 is on the minus strand). VCF-style: chr6-109444334-G-C. GRCh37 (hg19) VCF-style: chr6-109765537-G-C.
Other names: c.2803C>G, p.Leu935Val (NM_001159291.2); c.3118C>G, p.Leu1040Val (NM_001286613.2); short protein forms L1021V, L1040V, L935V.
Identifiers: ClinVar variation 3617360 (VCV003617360.2).

ClinVar aggregate classification (germline): Uncertain significance (1 of 4 stars; one submission).

gnomAD v4.1: 27 of 1,613,312 alleles (0.0017%); highest among the groups gnomAD compares: Non-Finnish European, 0.002%; no homozygotes.

Submission:

Labcorp Genetics (formerly Invitae), Labcorp
Classification: Uncertain significance. Last evaluated: 2024-05-21. Review status: criteria provided, single submitter. Criteria: Invitae Variant Classification Sherloc (09022015). Collection method: clinical testing. Allele origin: germline.
Comment: This sequence change replaces leucine, which is neutral and non-polar, with valine, which is neutral and non-polar, at codon 1040 of the MICAL1 protein (p.Leu1040Val). This variant is present in population databases (no rsID available, gnomAD 0.002%). This variant has not been reported in the literature in individuals affected with MICAL1-related conditions. An algorithm developed to predict the effect of missense changes on protein structure and function (PolyPhen-2) suggests that this variant is likely to be disruptive. In summary, the available evidence is currently insufficient to determine the role of this variant in disease. Therefore, it has been classified as a Variant of Uncertain Significance.